The following is an entry in ClinVar:

ClinVar aggregate classification (germline): Conflicting classifications of pathogenicity. Review status: criteria provided, conflicting classifications (1 of 4 stars). 2 submissions from 2 submitters: Uncertain significance (1); Likely benign (1). Last evaluated 2024-01-22.

Conditions:
Fanconi anemia (FA). Also called: Fanconi's anemia. Identifiers: Orphanet 84, MedGen C0015625, MeSH D005199, MONDO:0019391.

Submissions (2):

Quest Diagnostics Nichols Institute San Juan Capistrano
Classification: Uncertain significance. Last evaluated: 2024-01-22. Review status: criteria provided, single submitter. Criteria: Quest Diagnostics criteria. Collection method: clinical testing. Allele origin: unknown.
Comment: The FANCC c.345+9_345+11del variant has not been reported in individuals with FANCC-related conditions in the published literature. The frequency of this variant in the general population, 0.0000066 (1/152162 chromosomes (Genome Aggregation Database)), is uninformative in the assessment of its pathogenicity. Analysis of this variant using software algorithms for the prediction of the effect of nucleotide changes on splicing yielded predictions that this variant does not affect FANCC mRNA splicing. Based on the available information, we are unable to determine the clinical significance of this variant.

Labcorp Genetics (formerly Invitae), Labcorp
Classification: Likely benign for Fanconi anemia. Last evaluated: 2020-09-17. Review status: criteria provided, single submitter. Criteria: Invitae Variant Classification Sherloc (09022015). Collection method: clinical testing. Allele origin: germline.

NM_000136.3(FANCC):c.345+9_345+11del

Gene: FANCC (FA complementation group C; minus strand). Cytogenetic location: 9q22.32.
Variant type: Deletion.
Coding change: c.345+9_345+11del on transcript NM_000136.3 (MANE Select); bases 9 to 11 of the intron after coding-DNA position 345, 3 bases deleted (GTA; older notation c.345+9_345+11delGTA).
Molecular consequence: intron variant.
Genome position (GRCh38, 1-based): chr9:95,240,638-95,240,640, TAC deleted on the plus strand (GTA on the coding strand, the reverse complement: FANCC is on the minus strand); deleting any 3 consecutive bases within chr9:95,240,638-95,240,641 gives the same sequence; the c. name uses the placement nearest the transcript's 3' end. VCF-style (leftmost placement, unchanged base first): chr9-95240637-TTAC-T. GRCh37 (hg19) VCF-style: chr9-98002919-TTAC-T.
Other names: c.345+9_345+11del (NM_001243743.2, NM_001243744.2, NM_000136.2).
Identifiers: ClinVar variation 1090779 (VCV001090779.10), dbSNP rs1693164213, ClinGen allele CA1126990551.
Genomic context (GRCh38, chr9:95,240,637, plus strand): 5'-AATTTTTTTAAGCAGCACTTTTAAATAATCAATTTAATTCAAAGAAGTGCAGAGCAAGAT[TTAC>T]TCTCTTACCTGTATCCAGGAGTTAAGTTTTGATTGTCCAGAATTCTGTGGTTCTTTGTTA-3'